The following is an entry in ClinVar:

ClinVar aggregate classification (germline): Uncertain significance. Review status: criteria provided, multiple submitters, no conflicts (2 of 4 stars). 2 submissions from 2 submitters: Uncertain significance (2). Last evaluated 2025-06-02.

Conditions:
Emery-Dreifuss muscular dystrophy 5, autosomal dominant (EDMD5). Also called: EMERY-DREIFUSS MUSCULAR DYSTROPHY 5. Identifiers: Orphanet 261, MedGen C2751805, MONDO:0013072, OMIM 612999.

Allele frequency attached by ClinVar (database versions not stated): ExAC 0.00001; gnomAD exomes 0.00003 and 0.00010; gnomAD 0.00004; TOPMed 0.00005.
gnomAD v4.1: 155 of 1,613,184 alleles (0.0096%); highest among the groups gnomAD compares: Non-Finnish European, 0.012%; no homozygotes.

Submissions (2):

Labcorp Genetics (formerly Invitae), Labcorp
Classification: Uncertain significance for Emery-Dreifuss muscular dystrophy 5, autosomal dominant. Last evaluated: 2025-06-02. Review status: criteria provided, single submitter. Criteria: Invitae Variant Classification Sherloc (09022015). Collection method: clinical testing. Allele origin: germline.
Comment: This sequence change falls in intron 68 of the SYNE2 gene. It does not directly change the encoded amino acid sequence of the SYNE2 protein. This variant is present in population databases (rs759110381, gnomAD 0.008%). This variant has not been reported in the literature in individuals affected with SYNE2-related conditions. ClinVar contains an entry for this variant (Variation ID: 948478). Algorithms developed to predict the effect of sequence changes on RNA splicing suggest that this variant may disrupt the consensus splice site. In summary, the available evidence is currently insufficient to determine the role of this variant in disease. Therefore, it has been classified as a Variant of Uncertain Significance.

Fulgent Genetics
Classification: Uncertain significance for Emery-Dreifuss muscular dystrophy 5, autosomal dominant. Last evaluated: 2021-10-19. Review status: criteria provided, single submitter. Criteria: ACMG Guidelines, 2015. Collection method: clinical testing. Allele origin: unknown.

NM_182914.3(SYNE2):c.13159-7A>G

Gene: SYNE2 (spectrin repeat containing nuclear envelope protein 2; plus strand). Cytogenetic location: 14q23.2.
Variant type: single nucleotide variant.
Coding change: c.13159-7A>G on transcript NM_182914.3 (MANE Select); 7 bases into the intron before coding-DNA position 13159, A replaced by G.
Molecular consequence: intron variant.
Genome position (GRCh38, 1-based): chr14:64,122,005, A>G. VCF-style: chr14-64122005-A-G. GRCh37 (hg19) VCF-style: chr14-64588723-A-G.
Other names: c.13159-7A>G (NM_015180.6).
Identifiers: ClinVar variation 948478 (VCV000948478.7), dbSNP rs759110381, ClinGen allele CA7222364.